The following is an entry in ClinVar:

NM_016151.4(TAOK2):c.2251C>T (p.Pro751Ser)

Gene: TAOK2 (TAO kinase 2; plus strand). Cytogenetic location: 16p11.2.
Variant type: single nucleotide variant.
Coding change: c.2251C>T on transcript NM_016151.4 (MANE Select); coding-DNA position 2251, C replaced by T.
Protein change: p.Pro751Ser; replaces proline 751 with serine.
Molecular consequence: missense variant. On other transcripts: intron variant (2).
Genome position (GRCh38, 1-based): chr16:29,986,523, C>T. VCF-style: chr16-29986523-C-T. GRCh37 (hg19) VCF-style: chr16-29997844-C-T.
Other names: c.2232+19C>T (NM_004783.4, NM_001252043.2); short protein forms P751S.
Identifiers: ClinVar variation 2055717 (VCV002055717.4), dbSNP rs1245457402, ClinGen allele CA395490403.

ClinVar aggregate classification (germline): Uncertain significance (1 of 4 stars; one submission).

gnomAD v4.1: 15 of 1,612,296 alleles (0.00093%); highest among the groups gnomAD compares: Admixed American, 0.025%; no homozygotes.

Submission:

Labcorp Genetics (formerly Invitae), Labcorp
Classification: Uncertain significance. Last evaluated: 2024-05-01. Review status: criteria provided, single submitter. Criteria: Invitae Variant Classification Sherloc (09022015). Collection method: clinical testing. Allele origin: germline.
Comment: This sequence change replaces proline, which is neutral and non-polar, with serine, which is neutral and polar, at codon 751 of the TAOK2 protein (p.Pro751Ser). This variant is present in population databases (no rsID available, gnomAD 0.01%). This variant has not been reported in the literature in individuals affected with TAOK2-related conditions. ClinVar contains an entry for this variant (Variation ID: 2055717). Algorithms developed to predict the effect of missense changes on protein structure and function output the following: SIFT: "Not Available"; PolyPhen-2: "Benign"; Align-GVGD: "Not Available". The serine amino acid residue is found in multiple mammalian species, which suggests that this missense change does not adversely affect protein function. In summary, the available evidence is currently insufficient to determine the role of this variant in disease. Therefore, it has been classified as a Variant of Uncertain Significance.